The following is an entry in ClinVar:

ClinVar aggregate classification (germline): Uncertain significance (1 of 4 stars; one submission).

gnomAD v4.1: 27 of 1,525,546 alleles (0.0018%); highest among the groups gnomAD compares: East Asian, 0.0025%; no homozygotes.

Submission:

Women's Health and Genetics/Laboratory Corporation of America, LabCorp
Classification: Uncertain significance. Last evaluated: 2024-08-02. Review status: criteria provided, single submitter. Criteria: LabCorp Variant Classification Summary - May 2015. Collection method: clinical testing. Allele origin: germline.
Comment: Variant summary: BEAN1 c.695C>T (p.Pro232Leu) results in a non-conservative amino acid change in the encoded protein sequence. Four of five in-silico tools predict a damaging effect of the variant on protein function. The variant allele was found at a frequency of 7.6e-06 in 131578 control chromosomes. The available data on variant occurrences in the general population are insufficient to allow any conclusion about variant significance. To our knowledge, no occurrence of c.695C>T in individuals affected with Spinocerebellar Ataxia Type 31 and no experimental evidence demonstrating its impact on protein function have been reported. No submitters have cited clinical-significance assessments for this variant to ClinVar. Based on the evidence outlined above, the variant was classified as uncertain significance.

NM_001178020.3(BEAN1):c.695C>T (p.Pro232Leu)

Gene: BEAN1 (brain expressed associated with NEDD4 1; plus strand). Cytogenetic location: 16q21.
Variant type: single nucleotide variant.
Coding change: c.695C>T on transcript NM_001178020.3 (MANE Select); coding-DNA position 695, C replaced by T.
Protein change: p.Pro232Leu; replaces proline 232 with leucine.
Molecular consequence: missense variant. On other transcripts: intron variant (1).
Genome position (GRCh38, 1-based): chr16:66,480,840, C>T. VCF-style: chr16-66480840-C-T. GRCh37 (hg19) VCF-style: chr16-66514743-C-T.
Other names: c.368C>T, p.Pro123Leu (NM_001136106.5); c.114-2038C>T (NM_001197224.4); short protein forms P123L, P232L.
Identifiers: ClinVar variation 3366521 (VCV003366521.1).